The following is an entry in ClinVar:

NM_177438.3(DICER1):c.5155C>A (p.His1719Asn)

Gene: DICER1 (dicer 1, ribonuclease III; minus strand). Cytogenetic location: 14q32.13.
Variant type: single nucleotide variant.
Coding change: c.5155C>A on transcript NM_177438.3 (MANE Select); coding-DNA position 5155, C replaced by A.
Protein change: p.His1719Asn; replaces histidine 1719 with asparagine.
Molecular consequence: missense variant.
Genome position (GRCh38, 1-based): chr14:95,094,097, G>T on the plus strand (C>A on the coding strand, the complement: DICER1 is on the minus strand). VCF-style: chr14-95094097-G-T. GRCh37 (hg19) VCF-style: chr14-95560434-G-T.
Other names: c.5155C>A, p.His1719Asn (NM_001195573.1, NM_001271282.3, NM_001291628.2 and 1 more transcripts); short protein forms H1719N.
Identifiers: ClinVar variation 1403809 (VCV001403809.9), dbSNP rs1595331095, ClinGen allele CA390865325.
Genomic context (GRCh38, chr14:95,094,097, plus strand): 5'-GGGCAGACCGCAGGTCTGTCAGGACCCCCGGGGAGTGCTGCCGCGGGTCTTCATAAAGGT[G>T]CTTGGTTATGAGGTAGTCCAAAATCGCATCTCCCAGGAATTCTAAGCGCTGGTAACAATC-3'
Protein context (NP_803187.1, residues 1709-1729): DAILDYLITK[His1719Asn]LYEDPRQHSP

ClinVar aggregate classification (germline): Uncertain significance (1 of 4 stars; one submission).

Conditions:
DICER1-related tumor predisposition. Also called: DICER1 syndrome; DICER1-related pleuropulmonary blastoma cancer predisposition syndrome. Identifiers: Orphanet 284343, MedGen C3839822, MONDO:0100216.

Submission:

Labcorp Genetics (formerly Invitae), Labcorp
Classification: Uncertain significance for DICER1-related tumor predisposition. Last evaluated: 2021-07-01. Review status: criteria provided, single submitter. Criteria: Invitae Variant Classification Sherloc (09022015). Collection method: clinical testing. Allele origin: germline.
Comment: This sequence change replaces histidine with asparagine at codon 1719 of the DICER1 protein (p.His1719Asn). The histidine residue is highly conserved and there is a small physicochemical difference between histidine and asparagine. This variant is not present in population databases (ExAC no frequency). This variant has not been reported in the literature in individuals affected with DICER1-related conditions. Algorithms developed to predict the effect of missense changes on protein structure and function are either unavailable or do not agree on the potential impact of this missense change (SIFT: "Deleterious"; PolyPhen-2: "Possibly Damaging"; Align-GVGD: "Class C15"). In summary, the available evidence is currently insufficient to determine the role of this variant in disease. Therefore, it has been classified as a Variant of Uncertain Significance.